The following is an entry in ClinVar:

NM_139027.6(ADAMTS13):c.3501G>T (p.Glu1167Asp)

Gene: ADAMTS13 (ADAM metallopeptidase with thrombospondin type 1 motif 13; plus strand). Cytogenetic location: 9q34.2.
Variant type: single nucleotide variant.
Coding change: c.3501G>T on transcript NM_139027.6 (MANE Select); coding-DNA position 3501, G replaced by T.
Protein change: p.Glu1167Asp; replaces glutamic acid 1167 with aspartic acid.
Molecular consequence: missense variant. On other transcripts: non-coding transcript variant (1).
Genome position (GRCh38, 1-based): chr9:133,456,169, G>T. VCF-style: chr9-133456169-G-T. GRCh37 (hg19) VCF-style: chr9-136321291-G-T.
Other names: p.Glu1223Asp; c.3669G>T, p.Glu1223Asp (NM_139025.5); c.3408G>T, p.Glu1136Asp (NM_139026.6); short protein forms E1136D, E1167D, E1223D.
Identifiers: ClinVar variation 2683084 (VCV002683084.1), dbSNP rs2490497921, ClinGen allele CA375415366.

ClinVar aggregate classification (germline): Uncertain significance (1 of 4 stars; one submission).

Allele frequency attached by ClinVar (database versions not stated): gnomAD exomes below 0.00001.
gnomAD v4.1: 3 of 1,613,598 alleles (0.00019%); highest among the groups gnomAD compares: South Asian, 0.0011%; no homozygotes.

Submission:

Mayo Clinic Laboratories, Mayo Clinic
Classification: Uncertain significance. Last evaluated: 2022-02-10. Review status: criteria provided, single submitter. Criteria: ACMG Guidelines, 2015. Collection method: clinical testing. Allele origin: germline. Observed: 1 variant allele.
Comment: PM2